The following is an entry in ClinVar:

ClinVar aggregate classification (germline): Pathogenic/Likely pathogenic. Review status: criteria provided, multiple submitters, no conflicts (2 of 4 stars). 3 submissions from 3 submitters: Pathogenic (1); Likely pathogenic (1). 1 of the submissions does not count toward it. Last evaluated 2026-07-06.

Conditions:
Cardiovascular phenotype. Identifiers: MedGen CN230736.
Sitosterolemia 1. Identifiers: MedGen C2749759, MONDO:0020747, OMIM 210250.

Allele frequency attached by ClinVar (database versions not stated): TOPMed 0.00001; 1000 Genomes Project 30x 0.00016; gnomAD 0.00002; ExAC 0.00003; 1000 Genomes Project 0.00020.

Submissions (3):

Ambry Genetics
Classification: Likely pathogenic for Cardiovascular phenotype. Last evaluated: 2026-07-06. Review status: criteria provided, single submitter. Criteria: Ambry Variant Classification Scheme 2023. Collection method: clinical testing. Allele origin: germline.
Comment: The p.R405C variant (also known as c.1213C>T), located in coding exon 9 of the ABCG8 gene, results from a C to T substitution at nucleotide position 1213. The arginine at codon 405 is replaced by cysteine, an amino acid with highly dissimilar properties. This variant has been identified in conjunction with other ABCG8 variant(s) in individual(s) with features consistent with Sitosterolemia (Xia Y et al. J Clin Lipidol, 2022 Dec;16:40-51). This amino acid position is highly conserved in available vertebrate species. In addition, the in silico prediction for this alteration is inconclusive. Based on the majority of available evidence to date, this variant is likely to be pathogenic.

Labcorp Genetics (formerly Invitae), Labcorp
Classification: Pathogenic. Last evaluated: 2025-06-22. Review status: criteria provided, single submitter. Criteria: Invitae Variant Classification Sherloc (09022015). Collection method: clinical testing. Allele origin: germline.
Comment: This sequence change replaces arginine, which is basic and polar, with cysteine, which is neutral and slightly polar, at codon 405 of the ABCG8 protein (p.Arg405Cys). This variant is present in population databases (rs199553576, gnomAD 0.006%). This missense change has been observed in individual(s) with sitosterolemia (PMID: 34969652). In at least one individual the data is consistent with being in trans (on the opposite chromosome) from a pathogenic variant. ClinVar contains an entry for this variant (Variation ID: 2741362). An algorithm developed to predict the effect of missense changes on protein structure and function (PolyPhen-2) suggests that this variant is likely to be disruptive. This variant disrupts the p.Arg405 amino acid residue in ABCG8. Other variant(s) that disrupt this residue have been determined to be pathogenic (PMID: 11452359, 24657386). This suggests that this residue is clinically significant, and that variants that disrupt this residue are likely to be disease-causing. For these reasons, this variant has been classified as Pathogenic.

Revvity Omics, Revvity
Classification: Uncertain significance for Sitosterolemia 1. Last evaluated: 2024-12-04. Review status: flagged submission. Criteria: ACMG Guidelines, 2015. Collection method: clinical testing. Allele origin: germline. Not counted in ClinVar's aggregate classification.
ClinVar note: Reason: Claim with insufficient supporting evidence

Literature cited by the submitters: PubMed 34969652 (cited by Ambry Genetics and Labcorp Genetics (formerly Invitae), Labcorp); PubMed 11452359 (cited by Labcorp Genetics (formerly Invitae), Labcorp); PubMed 24657386 (cited by Labcorp Genetics (formerly Invitae), Labcorp).

NM_022437.3(ABCG8):c.1213C>T (p.Arg405Cys)

Gene: ABCG8 (ATP binding cassette subfamily G member 8; plus strand). Cytogenetic location: 2p21.
Variant type: single nucleotide variant.
Coding change: c.1213C>T on transcript NM_022437.3 (MANE Select); coding-DNA position 1213, C replaced by T.
Protein change: p.Arg405Cys; replaces arginine 405 with cysteine.
Molecular consequence: missense variant.
Genome position (GRCh38, 1-based): chr2:43,873,788, C>T. VCF-style: chr2-43873788-C-T. GRCh37 (hg19) VCF-style: chr2-44100927-C-T.
Other names: c.1210C>T, p.Arg404Cys (NM_001357321.2); short protein forms R405C, R404C.
Identifiers: ClinVar variation 2741362 (VCV002741362.6), dbSNP rs199553576, ClinGen allele CA1637367.